The following is an entry in ClinVar:

NM_198578.4(LRRK2):c.2399A>G (p.Asn800Ser)

Gene: LRRK2 (leucine rich repeat kinase 2; plus strand). Cytogenetic location: 12q12.
Variant type: single nucleotide variant.
Coding change: c.2399A>G on transcript NM_198578.4 (MANE Select); coding-DNA position 2399, A replaced by G.
Protein change: p.Asn800Ser; replaces asparagine 800 with serine.
Molecular consequence: missense variant.
Genome position (GRCh38, 1-based): chr12:40,284,032, A>G. VCF-style: chr12-40284032-A-G. GRCh37 (hg19) VCF-style: chr12-40677834-A-G.
Other names: short protein forms N800S.
Identifiers: ClinVar variation 1790659 (VCV001790659.3), dbSNP rs2499664926, ClinGen allele CA384406932.

ClinVar aggregate classification (germline): Uncertain significance (1 of 4 stars; one submission).

Conditions:
Inborn genetic diseases. Identifiers: MedGen C0950123, MeSH D030342.

gnomAD v4.1: 1 of 1,613,936 alleles (0.000062%); no homozygotes.

Submission:

Ambry Genetics
Classification: Uncertain significance for Inborn genetic diseases. Last evaluated: 2024-10-31. Review status: criteria provided, single submitter. Criteria: Ambry Variant Classification Scheme 2023. Collection method: clinical testing. Allele origin: germline.
Comment: The p.N800S variant (also known as c.2399A>G), located in coding exon 19 of the LRRK2 gene, results from an A to G substitution at nucleotide position 2399. The asparagine at codon 800 is replaced by serine, an amino acid with highly similar properties. This amino acid position is conserved. In addition, this alteration is predicted to be tolerated by in silico analysis. Since supporting evidence is limited at this time, the clinical significance of this alteration remains unclear.